The following is an entry in ClinVar:

NM_001370259.2(MEN1):c.711_713del (p.Phe238del)

Gene: MEN1 (menin 1; minus strand). Cytogenetic location: 11q13.1.
Variant type: Deletion.
Coding change: c.711_713del on transcript NM_001370259.2 (MANE Select); coding-DNA positions 711 to 713, 3 bases deleted (GTT; older notation c.711_713delGTT).
Protein change: p.Phe238del; deletes phenylalanine 238.
Molecular consequence: non-coding transcript variant (on NR_176284.1).
Genome position (GRCh38, 1-based): chr11:64,807,622-64,807,624, AAC deleted on the plus strand (GTT on the coding strand, the reverse complement: MEN1 is on the minus strand). VCF-style (leftmost placement, unchanged base first): chr11-64807621-GAAC-G. GRCh37 (hg19) VCF-style: chr11-64575093-GAAC-G.
Other names: c.711_713del, p.Phe238del (NM_001370251.2, NM_001370260.2, NM_001370261.2 and 7 more transcripts); c.606_608del, p.Phe203del (NM_001370262.2, NM_001370263.2, NM_001407148.1 and 2 more transcripts); c.726_728del, p.Phe243del (NM_001407145.1, NM_001407150.1, NM_000244.4 and 5 more transcripts); short protein forms F203del, F238del, F243del.
Identifiers: ClinVar variation 4850491 (VCV004850491.1).
Genomic context (GRCh38, chr11:64,807,621, plus strand): 5'-CTGCAGAAGCTCCAGCGAGTCGGTGTGCAGGTCAATGGAAGGGTTGATGGCACACACCAT[GAAC>G]GCCACCTCCATCTTGCGGTCACAGCGCATGTATGATCCTTTCAGGTACAGCCAGCTCTTA-3'

ClinVar aggregate classification (germline): Uncertain significance (0 of 4 stars; one submission).

Conditions:
Multiple endocrine neoplasia, type 1 (MEN1). Also called: MEA I; MEN I; WERMER SYNDROME; Endocrine adenomatosis multiple; MEN 1. Identifiers: Orphanet 652, MedGen C0025267, MeSH D018761, MONDO:0007540, OMIM 131100.

Submission:

Cancer Genetics and Diagnostic Laboratory, The Kolling Institute
Classification: Uncertain significance for Multiple endocrine neoplasia, type 1. Last evaluated: 2026-04-07. Review status: no assertion criteria provided. Collection method: research. Allele origin: germline. Affected: yes.
Comment: This MEN1 c.711_713del variant results in an inframe deletion in exon 4/10. This variant is absent from population databases (gnomAD v4.1.0) (PM2_supporting). This variant is predicted to alter the length of the protein produced by this gene due to an inframe single amino acid deletion variant in a nonrepeat region (PM4_supporting). The clinical features of this case are highly specific for the MEN1 gene (PP4). In summary, the variant meets criteria to be classified as a variant of uncertain significance (VUS) for MEN1 based on the ACMG/AMP criteria applied: PM2_Supporting, PM4_Supporting, PP4.